The following is an entry in ClinVar:

ClinVar aggregate classification (germline): Uncertain significance. Review status: criteria provided, single submitter (1 of 4 stars). 2 submissions from 2 submitters: Uncertain significance (1). 1 of the submissions does not count toward it. Last evaluated 2019-05-17.

Conditions:
PRKCG-related disorder. Also called: PRKCG-related condition.

Submissions (2):

GeneDx
Classification: Uncertain significance. Last evaluated: 2019-05-17. Review status: criteria provided, single submitter. Criteria: GeneDx Variant Classification Process June 2021. Collection method: clinical testing. Allele origin: germline. Affected: yes.
Comment: Not observed in large population cohorts (Lek et al., 2016); In silico analysis, which includes protein predictors and evolutionary conservation, supports a deleterious effect; Has not been previously published as pathogenic or benign to our knowledge

PreventionGenetics, part of Exact Sciences
Classification: Uncertain significance for PRKCG-related condition. Last evaluated: 2024-03-23. Review status: no assertion criteria provided. Collection method: clinical testing. Allele origin: germline. Not counted in ClinVar's aggregate classification.
Comment: The PRKCG c.374T>A variant is predicted to result in the amino acid substitution p.Val125Glu. To our knowledge, this variant has not been reported in the literature or in a large population database, indicating this variant is rare. At this time, the clinical significance of this variant is uncertain due to the absence of conclusive functional and genetic evidence.

NM_002739.5(PRKCG):c.374T>A (p.Val125Glu)

Gene: PRKCG (protein kinase C gamma; plus strand). Cytogenetic location: 19q13.42.
Variant type: single nucleotide variant.
Coding change: c.374T>A on transcript NM_002739.5 (MANE Select); coding-DNA position 374, T replaced by A.
Protein change: p.Val125Glu; replaces valine 125 with glutamic acid.
Molecular consequence: missense variant.
Genome position (GRCh38, 1-based): chr19:53,889,726, T>A. VCF-style: chr19-53889726-T-A. GRCh37 (hg19) VCF-style: chr19-54392980-T-A.
Other names: c.374T>A, p.Val125Glu (NM_001316329.2); c.374T>A (NM_002739.4); short protein forms V125E.
Identifiers: ClinVar variation 1305983 (VCV001305983.3), dbSNP rs2122988616, ClinGen allele CA407414269.